The following is an entry in ClinVar:

ClinVar aggregate classification (germline): Conflicting classifications of pathogenicity. Review status: criteria provided, conflicting classifications (1 of 4 stars). 11 submissions from 11 submitters: Uncertain significance (4); Benign (1); Likely benign (3). 3 of the submissions do not count toward it. Last evaluated 2026-05-13.

Conditions:
Autoinflammatory syndrome, familial, Behcet-like 1 (AIFBL1). Also called: Haploinsufficiency of A20. Identifiers: Orphanet 674762, MedGen C4225218, MONDO:0800045, OMIM 616744.
Autoinflammatory syndrome, familial, Behcet-like. Identifiers: MedGen CN234876, MONDO:0031384.

Allele frequency attached by ClinVar (database versions not stated): 1000 Genomes Project 30x 0.00062; 1000 Genomes Project 0.00080; ExAC 0.00188; gnomAD exomes 0.00188 and 0.00198; gnomAD 0.00189 and 0.00193; TOPMed 0.00189; ESP Exome Variant Server 0.00200.
gnomAD v4.1: 3,217 of 1,614,182 alleles (0.2%); highest among the groups gnomAD compares: Middle Eastern, 1.6%; 2 homozygotes.

Submissions (11):

GeneDx
Classification: Uncertain significance. Last evaluated: 2026-05-13. Review status: criteria provided, single submitter. Criteria: GeneDx Variant Classification Process June 2021. Collection method: clinical testing. Allele origin: germline.
Comment: Functional studies on patient-derived cells indicate that T647P was unable to inhibit NF-kB activity, which could be due to very low expression levels of mutant protein; further studies are needed (PMID: 31175876, 33549127); In silico analysis suggests that this missense variant does not alter protein structure/function; This variant is associated with the following publications: (PMID: 34426522, 32951330, 33549127, 31175876, 39845949, 33440462, 36703223, 38360126, 39611152, 21326317, 28791018)

CeGaT Center for Human Genetics Tuebingen
Classification: Benign. Last evaluated: 2026-03-01. Review status: criteria provided, single submitter. Criteria: CeGaT Center For Human Genetics Tuebingen Variant Classification Criteria Version 2. Collection method: clinical testing. Allele origin: germline. Affected: yes. Observed: 10 variant alleles.
Comment: TNFAIP3: BP4, BS1, BS2

Labcorp Genetics (formerly Invitae), Labcorp
Classification: Likely benign. Last evaluated: 2026-02-01. Review status: criteria provided, single submitter. Criteria: Invitae Variant Classification Sherloc (09022015). Collection method: clinical testing. Allele origin: germline.

Women's Health and Genetics/Laboratory Corporation of America, LabCorp
Classification: Likely benign. Last evaluated: 2025-11-10. Review status: criteria provided, single submitter. Criteria: LabCorp Variant Classification Summary - May 2015. Collection method: clinical testing. Allele origin: germline.

Mayo Clinic Laboratories, Mayo Clinic
Classification: Uncertain significance. Last evaluated: 2025-10-27. Review status: criteria provided, single submitter. Criteria: ACMG Guidelines, 2015. Collection method: clinical testing. Allele origin: germline. Observed: 4 variant alleles.
Comment: BS1, BP4, PP1, PS3_moderate

Blueprint Genetics
Classification: Likely benign. Last evaluated: 2024-11-26. Review status: criteria provided, single submitter. Criteria: ACMG Guidelines, 2015. Collection method: clinical testing. Allele origin: germline.

ARUP Laboratories, Molecular Genetics and Genomics, ARUP Laboratories
Classification: Uncertain significance for Autoinflammatory syndrome, familial, Behcet-like 1. Last evaluated: 2024-11-12. Review status: criteria provided, single submitter. Criteria: ARUP Molecular Germline Variant Investigation Process 2024. Collection method: clinical testing. Allele origin: germline.
Comment: The TNFAIP3 c.1939A>C; p.Thr647Pro variant (rs142253225) is reported in the literature in one individual with periodic fever and autoinflammatory disease and in a family with symptoms similar to familial Behcet-like autoinflammatory syndrome (Fathalla 2021, Mulhern 2019). This variant has also been found in patients with autoinflammatory conditions (El Naofal 2023, Liu 2017). This variant is also reported in ClinVar (Variation ID: 135345). Functional analyses of the variant protein in heterologous cells showed reduced expression and lack of significant suppression of the NF-kB signaling pathway (Kadowaki 2021). However, this variant is found in the general population with an allele frequency of 0.18% (511/282,864 alleles) in the Genome Aggregation Database(v2.1.1). Computational analyses predict that this variant is neutral (REVEL: 0.027). Due to conflicting information, the clinical significance of the p.Thr647Pro variant is uncertain at this time. References: El Naofal M et al. The genomic landscape of rare disorders in the Middle East. Genome Med. 2023 Jan 27;15(1):5. PMID: 36703223. Liu Y et al. Genetic and Functional Associations with Decreased Anti-inflammatory Tumor Necrosis Factor Alpha Induced Protein 3 in Macrophages from Subjects with Axial Spondyloarthritis. Front Immunol. 2017 Jul 24;8:860. PMID: 28791018. Mulhern CM et al. Janus kinase 1/2 inhibition for the treatment of autoinflammation associated with heterozygous TNFAIP3 mutation. J Allergy Clin Immunol. 2019 Sep;144(3):863-866.e5. PMID: 31175876. Fathalla BM et al. The genomic landscape of pediatric rheumatology disorders in the Middle East. Hum Mutat. 2021 Apr;42(4):e1-e14. PMID: 33440462. Kadowaki S et al. Functional analysis of novel A20 variants in patients with atypical inflammatory diseases. Arthritis Res Ther. 2021 Feb 6;23(1):52. PMID: 33549127.

Dubai Health Genomic Medicine Center, Dubai Health
Classification: Uncertain significance for Autoinflammatory syndrome, familial, Behcet-like 1. Last evaluated: 2020-10-04. Review status: criteria provided, single submitter. Criteria: ACMG Guidelines, 2015. Collection method: clinical testing. Allele origin: germline. Affected: yes.

ITMI
No classification provided. Condition: AllHighlyPenetrant. Last evaluated: 2013-09-19. Review status: no classification provided. Collection method: reference population. Allele origin: germline. Not counted in ClinVar's aggregate classification.
Comment: Please see associated publication for description of ethnicities

Clinical Genetics DNA and cytogenetics Diagnostics Lab, Erasmus MC, Erasmus Medical Center
Classification: Likely benign. Review status: no assertion criteria provided. Collection method: clinical testing. Allele origin: germline. Affected: yes. Study: VKGL Data-share Consensus. Not counted in ClinVar's aggregate classification.

Genome Diagnostics Laboratory, University Medical Center Utrecht
Classification: Likely benign. Review status: no assertion criteria provided. Collection method: clinical testing. Allele origin: germline. Affected: yes. Study: VKGL Data-share Consensus. Not counted in ClinVar's aggregate classification.

Literature cited by the submitters: PubMed 31175876 (cited by Mayo Clinic Laboratories, Mayo Clinic); PubMed 33440462 (cited by Mayo Clinic Laboratories, Mayo Clinic); PubMed 33549127 (cited by Mayo Clinic Laboratories, Mayo Clinic); PubMed 36703223 (cited by Mayo Clinic Laboratories, Mayo Clinic); PubMed 37342083 (cited by Mayo Clinic Laboratories, Mayo Clinic); PubMed 24728327 (cited by ITMI).

NM_001270508.2(TNFAIP3):c.1939A>C (p.Thr647Pro)

Gene: TNFAIP3 (TNF alpha induced protein 3; plus strand). Cytogenetic location: 6q23.3.
Variant type: single nucleotide variant.
Coding change: c.1939A>C on transcript NM_001270508.2 (MANE Select); coding-DNA position 1939, A replaced by C.
Protein change: p.Thr647Pro; replaces threonine 647 with proline.
Molecular consequence: missense variant.
Genome position (GRCh38, 1-based): chr6:137,880,103, A>C. VCF-style: chr6-137880103-A-C. GRCh37 (hg19) VCF-style: chr6-138201240-A-C.
Other names: p.Thr647Pro; c.1939A>C, p.Thr647Pro (NM_001270507.2, NM_006290.4); short protein forms T647P.
Identifiers: ClinVar variation 135345 (VCV000135345.50), dbSNP rs142253225, ClinGen allele CA162437.
Genomic context (GRCh38, chr6:137,880,103, plus strand): 5'-GTACTAACTAGCATCCATTCTCATGTAGATTTTGCTGCTGCCTCAGGGAAAGTCAGTCCC[A>C]CAGCGTCCAGGTTCCAGAACACCATTCCGTGCCTGGGGAGGGAATGCGGCACCCTTGGAA-3'
Protein context (NP_001257437.1, residues 637-657): FAAASGKVSP[Thr647Pro]ASRFQNTIPC